The following is an entry in ClinVar:

ClinVar aggregate classification (germline): Uncertain significance (1 of 4 stars; one submission).

Conditions:
Inborn genetic diseases. Identifiers: MedGen C0950123, MeSH D030342.

gnomAD v4.1: 1 of 1,614,162 alleles (0.000062%); highest among the groups gnomAD compares: Non-Finnish European, 0.000085%; no homozygotes.

Submission:

Ambry Genetics
Classification: Uncertain significance for Inborn genetic diseases. Last evaluated: 2019-02-19. Review status: criteria provided, single submitter. Criteria: Ambry Variant Classification Scheme 2023. Collection method: clinical testing. Allele origin: germline.
Comment: The p.A1715P variant (also known as c.5143G>C), located in coding exon 20 of the ARID1B gene, results from a G to C substitution at nucleotide position 5143. The alanine at codon 1715 is replaced by proline, an amino acid with highly similar properties. This amino acid position is not well conserved in available vertebrate species. In addition, this alteration is predicted to be tolerated by in silico analysis. Since supporting evidence is limited at this time, the clinical significance of this alteration remains unclear.

NM_001374828.1(ARID1B):c.5512G>C (p.Ala1838Pro)

Gene: ARID1B (AT-rich interaction domain 1B; plus strand). Cytogenetic location: 6q25.3.
Variant type: single nucleotide variant.
Coding change: c.5512G>C on transcript NM_001374828.1 (MANE Select); coding-DNA position 5512, G replaced by C.
Protein change: p.Ala1838Pro; replaces alanine 1838 with proline.
Molecular consequence: missense variant.
Genome position (GRCh38, 1-based): chr6:157,206,284, G>C. VCF-style: chr6-157206284-G-C. GRCh37 (hg19) VCF-style: chr6-157527418-G-C.
Other names: c.5263G>C, p.Ala1755Pro (NM_001346813.1); c.3013G>C, p.Ala1005Pro (NM_001363725.2); c.5392G>C, p.Ala1798Pro (NM_001371656.1, NM_001374820.1); c.5353G>C, p.Ala1785Pro (NM_017519.3); c.5143G>C, p.Ala1715Pro (NM_020732.3); c.4930G>C, p.Ala1644Pro (NM_175863.2); short protein forms A1798P, A1838P, A1715P, A1755P, A1005P, A1644P, A1785P.
Identifiers: ClinVar variation 1745621 (VCV001745621.2), dbSNP rs546855765, ClinGen allele CA4067849.